The following is an entry in ClinVar:

ClinVar aggregate classification (germline): Uncertain significance (1 of 4 stars; one submission).

Conditions:
Noonan syndrome 9 (NS9). Identifiers: Orphanet 648, MedGen C4225282, MONDO:0014691, OMIM 616559.

Submission:

Labcorp Genetics (formerly Invitae), Labcorp
Classification: Uncertain significance for Noonan syndrome 9. Last evaluated: 2022-01-14. Review status: criteria provided, single submitter. Criteria: Invitae Variant Classification Sherloc (09022015). Collection method: clinical testing. Allele origin: germline.
Comment: This sequence change creates a premature translational stop signal (p.Asp579Thrfs*26) in the SOS2 gene. It is expected to result in an absent or disrupted protein product. However, the current clinical and genetic evidence is not sufficient to establish whether loss-of-function variants in SOS2 cause disease. This variant is not present in population databases (gnomAD no frequency). This variant has not been reported in the literature in individuals affected with SOS2-related conditions. In summary, the available evidence is currently insufficient to determine the role of this variant in disease. Therefore, it has been classified as a Variant of Uncertain Significance.

NM_006939.4(SOS2):c.1734del (p.Asp579fs)

Gene: SOS2 (SOS Ras/Rho guanine nucleotide exchange factor 2; minus strand). Cytogenetic location: 14q21.3.
Variant type: Deletion.
Coding change: c.1734del on transcript NM_006939.4 (MANE Select); coding-DNA position 1734, one base deleted (A; older notation c.1734delA).
Protein change: p.Asp579fs; shifts the reading frame from aspartic acid 579.
Molecular consequence: frameshift variant.
Genome position (GRCh38, 1-based): chr14:50,159,549, T deleted on the plus strand (A on the coding strand, the reverse complement: SOS2 is on the minus strand); the first of 4 consecutive T bases (chr14:50,159,549-50,159,552); deleting any one gives the same sequence. VCF-style (leftmost placement, unchanged base first): chr14-50159548-CT-C. GRCh37 (hg19) VCF-style: chr14-50626266-CT-C.
Other names: short protein forms D579fs.
Identifiers: ClinVar variation 1398379 (VCV001398379.6), dbSNP rs2139628200, ClinGen allele CA2573149974.